The following is an entry in ClinVar:

ClinVar aggregate classification (germline): Uncertain significance. Review status: criteria provided, multiple submitters, no conflicts (2 of 4 stars). 2 submissions from 2 submitters: Uncertain significance (2). Last evaluated 2024-01-14.

Conditions:
Hereditary cancer-predisposing syndrome. Also called: Neoplastic Syndromes, Hereditary; Hereditary neoplastic syndrome; Tumor predisposition; Hereditary Cancer Syndrome. Identifiers: Orphanet 140162, MedGen C0027672, MeSH D009386, MONDO:0015356.

Submissions (2):

Ambry Genetics
Classification: Uncertain significance for Hereditary cancer-predisposing syndrome. Last evaluated: 2024-01-14. Review status: criteria provided, single submitter. Criteria: Ambry Variant Classification Scheme 2023. Collection method: clinical testing. Allele origin: germline.
Comment: The p.D320Y variant (also known as c.958G>T), located in coding exon 6 of the MSH3 gene, results from a G to T substitution at nucleotide position 958. The aspartic acid at codon 320 is replaced by tyrosine, an amino acid with highly dissimilar properties. This amino acid position is conserved. In addition, the in silico prediction for this alteration is inconclusive. Since supporting evidence is limited at this time, the clinical significance of this alteration remains unclear.

Labcorp Genetics (formerly Invitae), Labcorp
Classification: Uncertain significance. Last evaluated: 2023-05-21. Review status: criteria provided, single submitter. Criteria: Invitae Variant Classification Sherloc (09022015). Collection method: clinical testing. Allele origin: germline.
Comment: This sequence change replaces aspartic acid, which is acidic and polar, with tyrosine, which is neutral and polar, at codon 320 of the MSH3 protein (p.Asp320Tyr). This variant is not present in population databases (gnomAD no frequency). This variant has not been reported in the literature in individuals affected with MSH3-related conditions. ClinVar contains an entry for this variant (Variation ID: 2000317). An algorithm developed to predict the effect of missense changes on protein structure and function (PolyPhen-2) suggests that this variant is likely to be disruptive. In summary, the available evidence is currently insufficient to determine the role of this variant in disease. Therefore, it has been classified as a Variant of Uncertain Significance.

NM_002439.5(MSH3):c.958G>T (p.Asp320Tyr)

Genes: MSH3 (mutS homolog 3; plus strand), LOC126807437 (MED14-independent group 3 enhancer GRCh37_chr5:79968379-79969578; plus strand). Cytogenetic location: 5q14.1.
Variant type: single nucleotide variant.
Coding change: c.958G>T on transcript NM_002439.5 (MANE Select); coding-DNA position 958, G replaced by T.
Protein change: p.Asp320Tyr; replaces aspartic acid 320 with tyrosine.
Molecular consequence: missense variant.
Genome position (GRCh38, 1-based): chr5:80,672,789, G>T. VCF-style: chr5-80672789-G-T. GRCh37 (hg19) VCF-style: chr5-79968608-G-T.
Other names: c.958G>T (NM_002439.3); short protein forms D320Y.
Identifiers: ClinVar variation 2000317 (VCV002000317.5), dbSNP rs2546722885, ClinGen allele CA360267419.